The following is an entry in ClinVar:

ClinVar aggregate classification (germline): Conflicting classifications of pathogenicity. Review status: criteria provided, conflicting classifications (1 of 4 stars). 16 submissions from 15 submitters: Uncertain significance (1); Benign (9); Likely benign (5). 1 of the submissions does not count toward it. Last evaluated 2026-08-01.

Conditions:
Hyperparathyroidism. Identifiers: MedGen C0020502, MONDO:0001741, HP:0000843.
Hereditary cancer-predisposing syndrome. Also called: Neoplastic Syndromes, Hereditary; Tumor predisposition; Hereditary neoplastic syndrome; Hereditary Cancer Syndrome. Identifiers: Orphanet 140162, MedGen C0027672, MeSH D009386, MONDO:0015356.
Multiple endocrine neoplasia, type 1 (MEN1). Also called: MEA I; MEN I; WERMER SYNDROME; Endocrine adenomatosis multiple; MEN 1. Identifiers: Orphanet 652, MedGen C0025267, MeSH D018761, MONDO:0007540, OMIM 131100.

Allele frequency attached by ClinVar (database versions not stated): 1000 Genomes Project 30x 0.00016; ESP Exome Variant Server 0.00016; 1000 Genomes Project 0.00020; TOPMed 0.00039; gnomAD exomes 0.00051 and 0.00069; ExAC 0.00074; gnomAD 0.00104 and 0.00111.
gnomAD v4.1: 894 of 1,604,882 alleles (0.056%); highest among the groups gnomAD compares: Non-Finnish European, 0.037%; 3 homozygotes.

Submissions (16):

CeGaT Center for Human Genetics Tuebingen
Classification: Likely benign. Last evaluated: 2026-08-01. Review status: criteria provided, single submitter. Criteria: CeGaT Center For Human Genetics Tuebingen Variant Classification Criteria Version 2. Collection method: clinical testing. Allele origin: germline. Affected: yes. Observed: 34 variant alleles.
Comment: MEN1: BP4, BP7

Labcorp Genetics (formerly Invitae), Labcorp
Classification: Benign for Multiple endocrine neoplasia, type 1. Last evaluated: 2026-02-04. Review status: criteria provided, single submitter. Criteria: Invitae Variant Classification Sherloc (09022015). Collection method: clinical testing. Allele origin: germline.

Laboratory of Genetics, Children's Clinical University Hospital Latvia
Classification: Benign. Last evaluated: 2025-02-16. Review status: criteria provided, single submitter. Criteria: ACMG Guidelines, 2015. Collection method: clinical testing. Allele origin: germline. Affected: yes.

Blueprint Genetics
Classification: Likely benign. Last evaluated: 2024-11-22. Review status: criteria provided, single submitter. Criteria: ACMG Guidelines, 2015. Collection method: clinical testing. Allele origin: germline.

All of Us Research Program, National Institutes of Health
Classification: Benign for Multiple endocrine neoplasia, type 1. Last evaluated: 2024-02-05. Review status: criteria provided, single submitter. Criteria: ACMG Guidelines, 2015. Collection method: clinical testing. Allele origin: germline. Inheritance: Autosomal dominant inheritance. Observed: 123 variant alleles, 123 heterozygotes.
Comment: This study involves interpretation of variants in research participants for the purpose of population health screening. Participant phenotype was not available at the time of variant classification. Additional details can be found in publication PMID: 35346344, PMCID: PMC8962531

Myriad Genetics, Inc.
Classification: Benign for Multiple endocrine neoplasia, type 1. Last evaluated: 2023-04-17. Review status: criteria provided, single submitter. Criteria: Myriad Autosomal Dominant, Autosomal Recessive and X-Linked Classification Criteria (2023). Collection method: clinical testing. Allele origin: unknown.
Comment: This variant is considered benign. This variant is a silent/synonymous amino acid change and it is not expected to impact splicing.

Color Diagnostics, LLC DBA Color Health
Classification: Benign for Multiple endocrine neoplasia, type 1. Last evaluated: 2022-09-20. Review status: criteria provided, single submitter. Criteria: ACMG Guidelines, 2015. Collection method: clinical testing. Allele origin: germline.

Institute for Clinical Genetics, University Hospital TU Dresden, University Hospital TU Dresden
Classification: Likely benign. Last evaluated: 2021-11-03. Review status: criteria provided, single submitter. Criteria: ACMG Guidelines, 2015. Collection method: clinical testing. Allele origin: germline.

Sema4
Classification: Benign for Hereditary cancer-predisposing syndrome. Last evaluated: 2021-05-10. Review status: criteria provided, single submitter. Criteria: Sema4 Curation Guidelines. Collection method: curation. Allele origin: germline.

ARUP Laboratories, Molecular Genetics and Genomics, ARUP Laboratories
Classification: Benign. Last evaluated: 2018-03-26. Review status: criteria provided, single submitter. Criteria: ARUP Molecular Germline Variant Investigation Process. Collection method: clinical testing. Allele origin: germline.

GeneDx
Classification: Likely benign. Last evaluated: 2017-06-09. Review status: criteria provided, single submitter. Criteria: GeneDx Variant Classification (06012015). Collection method: clinical testing. Allele origin: germline. Affected: yes.
Comment: This variant is considered likely benign or benign based on one or more of the following criteria: it is a conservative change, it occurs at a poorly conserved position in the protein, it is predicted to be benign by multiple in silico algorithms, and/or has population frequency not consistent with disease.

PreventionGenetics, part of Exact Sciences
Classification: Benign. Last evaluated: 2017-05-30. Review status: criteria provided, single submitter. Criteria: ACMG Guidelines, 2015. Collection method: clinical testing. Allele origin: germline.

Illumina Laboratory Services, Illumina
Classification: Benign for Multiple endocrine neoplasia, type 1. Last evaluated: 2017-04-27. Review status: criteria provided, single submitter. Criteria: ICSL Variant Classification Criteria 13 December 2019. Collection method: clinical testing. Allele origin: germline.
Comment: This variant was observed as part of a predisposition screen in an ostensibly healthy population. A literature search was performed for the gene, cDNA change, and amino acid change (where applicable). No publications were found based on this search. Allele frequency data from public databases was too high to be consistent with this variant causing disease. Therefore, this variant is classified as benign.

Illumina Laboratory Services, Illumina
Classification: Uncertain significance for Hyperparathyroidism. Last evaluated: 2017-04-27. Review status: criteria provided, single submitter. Criteria: ICSL Variant Classification Criteria 13 December 2019. Collection method: clinical testing. Allele origin: germline.

Ambry Genetics
Classification: Likely benign for Hereditary cancer-predisposing syndrome. Last evaluated: 2015-08-06. Review status: criteria provided, single submitter. Criteria: Ambry Variant Classification Scheme 2023. Collection method: clinical testing. Allele origin: germline.

Counsyl
Classification: Likely benign for Multiple endocrine neoplasia, type 1. Last evaluated: 2015-11-21. Review status: no assertion criteria provided. Collection method: clinical testing. Allele origin: unknown. Not counted in ClinVar's aggregate classification.

Literature cited by the submitters: PubMed 10918183 (cited by Ambry Genetics and Counsyl); PubMed 17623761 (cited by Ambry Genetics and Counsyl); PubMed 17879353 (cited by Ambry Genetics); PubMed 23933118 (cited by Ambry Genetics).

NM_001370259.2(MEN1):c.30G>T (p.Leu10=)

Gene: MEN1 (menin 1; minus strand). Cytogenetic location: 11q13.1.
Variant type: single nucleotide variant.
Coding change: c.30G>T on transcript NM_001370259.2 (MANE Select); coding-DNA position 30, G replaced by T.
Protein change: p.Leu10=; no amino-acid change (leucine 10 retained).
Molecular consequence: synonymous variant.
Genome position (GRCh38, 1-based): chr11:64,810,080, C>A on the plus strand (G>T on the coding strand, the complement: MEN1 is on the minus strand). VCF-style: chr11-64810080-C-A. GRCh37 (hg19) VCF-style: chr11-64577552-C-A.
Other names: c.30G>T, p.Leu10= (NM_000244.4, NM_001370251.2, NM_001370260.2 and 9 more transcripts).
Identifiers: ClinVar variation 136169 (VCV000136169.76), dbSNP rs371192390, ClinGen allele CA009365.